The following is an entry in ClinVar:

ClinVar aggregate classification (germline): Likely benign. Review status: criteria provided, multiple submitters, no conflicts (2 of 4 stars). 3 submissions from 3 submitters: Likely benign (2). 1 of the submissions does not count toward it. Last evaluated 2025-04-21.

Conditions:
TRPC3-related disorder. Also called: TRPC3-related condition.

Allele frequency attached by ClinVar (database versions not stated): gnomAD 0.00007 and 0.00009; gnomAD exomes 0.00011 and 0.00014; ExAC 0.00014; ESP Exome Variant Server 0.00015; TOPMed 0.00015.
gnomAD v4.1: 227 of 1,610,738 alleles (0.014%); highest among the groups gnomAD compares: Middle Eastern, 0.48%; 1 homozygote.

Submissions (3):

Labcorp Genetics (formerly Invitae), Labcorp
Classification: Likely benign. Last evaluated: 2025-04-21. Review status: criteria provided, single submitter. Criteria: Invitae Variant Classification Sherloc (09022015). Collection method: clinical testing. Allele origin: germline.

Breakthrough Genomics
Classification: Likely benign. Review status: criteria provided, single submitter. Criteria: ACMG Guidelines, 2015. Collection method: not provided. Allele origin: germline. Inheritance: Autosomal dominant inheritance. Affected: yes.

PreventionGenetics, part of Exact Sciences
Classification: Likely benign for TRPC3-related condition. Last evaluated: 2019-07-15. Review status: no assertion criteria provided. Collection method: clinical testing. Allele origin: germline. Not counted in ClinVar's aggregate classification.
Comment: This variant is classified as likely benign based on ACMG/AMP sequence variant interpretation guidelines (Richards et al. 2015 PMID: 25741868, with internal and published modifications).

NM_001130698.2(TRPC3):c.2469C>T (p.Asn823=)

Gene: TRPC3 (transient receptor potential cation channel subfamily C member 3; minus strand). Cytogenetic location: 4q27.
Variant type: single nucleotide variant.
Coding change: c.2469C>T on transcript NM_001130698.2 (MANE Select); coding-DNA position 2469, C replaced by T.
Protein change: p.Asn823=; no amino-acid change (asparagine 823 retained).
Molecular consequence: synonymous variant. On other transcripts: intron variant (1).
Genome position (GRCh38, 1-based): chr4:121,899,690, G>A on the plus strand (C>T on the coding strand, the complement: TRPC3 is on the minus strand). VCF-style: chr4-121899690-G-A. GRCh37 (hg19) VCF-style: chr4-122820845-G-A.
Other names: c.2250C>T, p.Asn750= (NM_003305.2); c.2463+3162C>T (NM_001366479.2).
Identifiers: ClinVar variation 738682 (VCV000738682.9), dbSNP rs139940353, ClinGen allele CA3064729.
Genomic context (GRCh38, chr4:121,899,690, plus strand): 5'-ATTGAGAATGCTGTTAAAACTGTGTGATTCAAAAACTCTTGAGTTAGACTGAGTGAAGAG[G>A]TTTAACTAGGAAAAAATACAATTAACCTAGTAAATTAGAATACATTCATTTGGAATAAAA-3'
Protein context (NP_001124170.1, residues 813-833): MGMGNSKSRL[Asn823=]LFTQSNSRVF